The following is an entry in ClinVar:

ClinVar aggregate classification (germline): Uncertain significance (1 of 4 stars; one submission).

Allele frequency attached by ClinVar (database versions not stated): gnomAD exomes below 0.00001.
gnomAD v4.1: 6 of 1,532,428 alleles (0.00039%); highest among the groups gnomAD compares: Non-Finnish European, 0.00035%; no homozygotes.

Submission:

Ambry Genetics
Classification: Uncertain significance. Last evaluated: 2021-06-21. Review status: criteria provided, single submitter. Criteria: Ambry Variant Classification Scheme 2023. Collection method: clinical testing. Allele origin: germline.
Comment: The p.C25R variant (also known as c.73T>C), located in coding exon 1 of the PRKDC gene, results from a T to C substitution at nucleotide position 73. The cysteine at codon 25 is replaced by arginine, an amino acid with highly dissimilar properties. This amino acid position is conserved. In addition, this alteration is predicted to be tolerated by in silico analysis. Since supporting evidence is limited at this time, the clinical significance of this alteration remains unclear.

NM_006904.7(PRKDC):c.73T>C (p.Cys25Arg)

Genes: PRKDC (protein kinase, DNA-activated, catalytic subunit; minus strand), LOC129929030 (ATAC-STARR-seq lymphoblastoid silent region 19177; plus strand). Cytogenetic location: 8q11.21.
Variant type: single nucleotide variant.
Coding change: c.73T>C on transcript NM_006904.7 (MANE Select); coding-DNA position 73, T replaced by C.
Protein change: p.Cys25Arg; replaces cysteine 25 with arginine.
Molecular consequence: missense variant.
Genome position (GRCh38, 1-based): chr8:47,960,054, A>G on the plus strand (T>C on the coding strand, the complement: PRKDC is on the minus strand). VCF-style: chr8-47960054-A-G. GRCh37 (hg19) VCF-style: chr8-48872614-A-G.
Other names: c.73T>C, p.Cys25Arg (NM_001081640.2); short protein forms C25R.
Identifiers: ClinVar variation 1758739 (VCV001758739.2), dbSNP rs774485933, ClinGen allele CA4742114.